The following is an entry in ClinVar:

ClinVar aggregate classification (germline): Uncertain significance (1 of 4 stars; one submission).

Conditions:
Frasier syndrome. Identifiers: Orphanet 347, MedGen C0950122, MeSH D052159, MONDO:0007635, OMIM 136680.
Wilms tumor 1 (WT1). Also called: Wilms tumor, somatic. Identifiers: Orphanet 654, MedGen CN033288, MONDO:0008679, OMIM 194070.
11p partial monosomy syndrome (WAGR). Also called: WAGR Complex; WAGR Spectrum Disorder; WAGR syndrome; CHROMOSOME 11p13 DELETION SYNDROME. Identifiers: Orphanet 893, MedGen C0206115, MONDO:0008681, OMIM 194072.
Drash syndrome (DDS). Also called: NEPHROPATHY, WILMS TUMOR, AND GENITAL ANOMALIES; WILMS TUMOR AND PSEUDO- OR TRUE HERMAPHRODITISM. Identifiers: Orphanet 220, MedGen C0950121, MONDO:0008682, OMIM 194080.

Allele frequency attached by ClinVar (database versions not stated): gnomAD 0.00001.
gnomAD v4.1: 1 of 1,612,374 alleles (0.000062%); highest among the groups gnomAD compares: African/African-American, 0.0013%; no homozygotes.

Submission:

Labcorp Genetics (formerly Invitae), Labcorp
Classification: Uncertain significance for Wilms tumor 1; Drash syndrome; 11p partial monosomy syndrome; Frasier syndrome. Last evaluated: 2024-07-29. Review status: criteria provided, single submitter. Criteria: Invitae Variant Classification Sherloc (09022015). Collection method: clinical testing. Allele origin: germline.
Comment: This sequence change replaces serine, which is neutral and polar, with arginine, which is basic and polar, at codon 158 of the WT1 protein (p.Ser158Arg). This variant is not present in population databases (gnomAD no frequency). This variant has not been reported in the literature in individuals affected with WT1-related conditions. ClinVar contains an entry for this variant (Variation ID: 1474261). An algorithm developed to predict the effect of missense changes on protein structure and function (PolyPhen-2) suggests that this variant is likely to be disruptive. In summary, the available evidence is currently insufficient to determine the role of this variant in disease. Therefore, it has been classified as a Variant of Uncertain Significance.

NM_024426.6(WT1):c.489C>A (p.Ser163Arg)

Genes: WT1 (WT1 transcription factor; minus strand), LOC107982234 (WT1/WT1-AS bi-directional promoter region; plus strand). Cytogenetic location: 11p13.
Variant type: single nucleotide variant.
Coding change: c.489C>A on transcript NM_024426.6 (MANE Select); coding-DNA position 489, C replaced by A.
Protein change: p.Ser163Arg; replaces serine 163 with arginine.
Molecular consequence: missense variant. On other transcripts: non-coding transcript variant (1).
Genome position (GRCh38, 1-based): chr11:32,434,872, G>T on the plus strand (C>A on the coding strand, the complement: WT1 is on the minus strand). VCF-style: chr11-32434872-G-T. GRCh37 (hg19) VCF-style: chr11-32456418-G-T.
Other names: c.489C>A, p.Ser163Arg (NM_000378.6, NM_024424.5); short protein forms S163R.
Identifiers: ClinVar variation 1474261 (VCV001474261.6), dbSNP rs908414065, ClinGen allele CA379964903.
Genomic context (GRCh38, chr11:32,434,872, plus strand): 5'-CCCGTAGCGACAGGCTCCGGCTGTGCCAGTGAACTGGCCGGAAAAGTGGACAGTGAAGGC[G>T]CTCAGGCACTGCTCCTCGTGCGGCTCCGCGCCGCCCCAGCTCGGCTCCTGTTTGATGAAG-3'
Protein context (NP_077744.4, residues 153-173): GAEPHEEQCL[Ser163Arg]AFTVHFSGQF